The following is an entry in ClinVar:

NM_001002295.2(GATA3):c.925-16C>T

Gene: GATA3 (GATA binding protein 3; plus strand). Cytogenetic location: 10p14.
Variant type: single nucleotide variant.
Coding change: c.925-16C>T on transcript NM_001002295.2 (MANE Select); 16 bases into the intron before coding-DNA position 925, C replaced by T.
Molecular consequence: intron variant.
Genome position (GRCh38, 1-based): chr10:8,069,457, C>T. VCF-style: chr10-8069457-C-T. GRCh37 (hg19) VCF-style: chr10-8111420-C-T.
Other names: c.922-16C>T (NM_002051.3).
Identifiers: ClinVar variation 132960 (VCV000132960.1), dbSNP rs104886016, ClinGen allele CA156293.

ClinVar aggregate classification (germline): not provided (0 of 4 stars; one submission).

Conditions:
Ovarian neoplasm. Also called: Ovarian Neoplasms; Neoplasm of ovary; Ovarian tumor. Identifiers: MedGen C0919267, MeSH D010051, MONDO:0021068, HP:0100615.

Allele frequency attached by ClinVar (database versions not stated): gnomAD 0.00001; TOPMed 0.00001.
gnomAD v4.1: 2 of 1,612,370 alleles (0.00012%); highest among the groups gnomAD compares: African/African-American, 0.0027%; no homozygotes.

Submission:

Laboratory of Translational Genomics,  National Cancer Institute
No classification provided. Condition: Neoplasm of ovary. Review status: no classification provided. Collection method: not provided. Allele origin: somatic.
Comment: Ovarian Cancer specimen